The following is an entry in ClinVar:

ClinVar aggregate classification (germline): Uncertain significance. Review status: criteria provided, single submitter (1 of 4 stars). 2 submissions from 2 submitters: Uncertain significance (1). 1 of the submissions does not count toward it. Last evaluated 2014-03-10.

Conditions:
Acyl-CoA dehydrogenase 9 deficiency. Also called: Acyl-CoA dehydrogenase family, member 9, deficiency of; MITOCHONDRIAL COMPLEX I DEFICIENCY, NUCLEAR TYPE 20. Identifiers: Orphanet 99901, MedGen C4747517, MONDO:0012624, OMIM 611126.

Allele frequency attached by ClinVar (database versions not stated): TOPMed 0.00001.
gnomAD v4.1: 3 of 1,613,518 alleles (0.00019%); highest among the groups gnomAD compares: Admixed American, 0.0033%; no homozygotes.

Submissions (2):

GeneDx
Classification: Uncertain significance. Last evaluated: 2014-03-10. Review status: criteria provided, single submitter. Criteria: GeneDx Variant Classification (06012015). Collection method: clinical testing. Allele origin: germline. Affected: yes.
Comment: p.Pro73Thr (CCC>ACC): c.217 C>A in exon 2 of the ACAD9 gene (NM_014049.4). The P73T variant has not been published as a mutation, nor has it been reported as a benign polymorphism to our knowledge. The P73T variant is a non-conservative amino acid substitution, which is likely to impact secondary protein structure as these residues differ in polarity, charge, size and/or other properties. This substitution occurs at a position that is conserved in mammals. In silico analysis is inconsistent in its predictions as to whether or not the variant is damaging to the protein structure/function. Therefore, based on the currently available information, it is unclear whether this variant is a pathogenic mutation or a rare benign variant. The variant is found in MITONUC-MITOP panel(s).

Natera, Inc.
Classification: Uncertain significance for ACAD9 deficiency. Last evaluated: 2019-10-28. Review status: no assertion criteria provided. Collection method: clinical testing. Allele origin: germline. Not counted in ClinVar's aggregate classification.

NM_014049.5(ACAD9):c.217C>A (p.Pro73Thr)

Gene: ACAD9 (acyl-CoA dehydrogenase family member 9; plus strand). Cytogenetic location: 3q21.3.
Variant type: single nucleotide variant.
Coding change: c.217C>A on transcript NM_014049.5 (MANE Select); coding-DNA position 217, C replaced by A.
Protein change: p.Pro73Thr; replaces proline 73 with threonine.
Molecular consequence: missense variant. On other transcripts: non-coding transcript variant (1).
Genome position (GRCh38, 1-based): chr3:128,884,719, C>A. VCF-style: chr3-128884719-C-A. GRCh37 (hg19) VCF-style: chr3-128603562-C-A.
Other names: p.P73T:CCC>ACC; short protein forms P73T.
Identifiers: ClinVar variation 214012 (VCV000214012.3), dbSNP rs557401373, ClinGen allele CA324820.